The following is an entry in ClinVar:

ClinVar aggregate classification (germline): Likely benign. Review status: criteria provided, multiple submitters, no conflicts (2 of 4 stars). 2 submissions from 2 submitters: Likely benign (2). Last evaluated 2024-03-24.

Conditions:
Arrhythmogenic cardiomyopathy with wooly hair and keratoderma. Also called: PALMOPLANTAR KERATODERMA WITH LEFT VENTRICULAR CARDIOMYOPATHY AND WOOLLY HAIR; Carvajal syndrome; Dilated cardiomyopathy with woolly hair and keratoderma; Arrhythmogenic cardiomyopathy with woolly hair and keratoderma. Identifiers: Orphanet 65282, MedGen C1854063, MONDO:0011581, OMIM 605676.
Arrhythmogenic right ventricular dysplasia 8 (ARVD8). Also called: Arrhythmogenic Right Ventricular Dysplasia/Cardiomyopathy 8; ARRHYTHMOGENIC RIGHT VENTRICULAR DYSPLASIA, FAMILIAL, 8; ARRHYTHMOGENIC RIGHT VENTRICULAR CARDIOMYOPATHY 8. Identifiers: MedGen C1843896, MONDO:0011831, OMIM 607450.

gnomAD v4.1: 1 of 1,609,150 alleles (0.000062%); highest among the groups gnomAD compares: Non-Finnish European, 0.000085%; no homozygotes.

Submissions (2):

Labcorp Genetics (formerly Invitae), Labcorp
Classification: Likely benign for Arrhythmogenic cardiomyopathy with wooly hair and keratoderma; Arrhythmogenic right ventricular dysplasia 8. Last evaluated: 2024-03-24. Review status: criteria provided, single submitter. Criteria: Invitae Variant Classification Sherloc (09022015). Collection method: clinical testing. Allele origin: germline.

CeGaT Center for Human Genetics Tuebingen
Classification: Likely benign. Last evaluated: 2023-01-01. Review status: criteria provided, single submitter. Criteria: CeGaT Center For Human Genetics Tuebingen Variant Classification Criteria Version 2. Collection method: clinical testing. Allele origin: germline. Affected: yes. Observed: 1 variant allele.
Comment: DSP: PM2:Supporting, BP4, BP7

NM_004415.4(DSP):c.8517C>G (p.Ser2839=)

Gene: DSP (desmoplakin; plus strand). Cytogenetic location: 6p24.3.
Variant type: single nucleotide variant.
Coding change: c.8517C>G on transcript NM_004415.4 (MANE Select); coding-DNA position 8517, C replaced by G.
Protein change: p.Ser2839=; no amino-acid change (serine 2839 retained).
Molecular consequence: synonymous variant.
Genome position (GRCh38, 1-based): chr6:7,585,779, C>G. VCF-style: chr6-7585779-C-G. GRCh37 (hg19) VCF-style: chr6-7586012-C-G.
Other names: c.6720C>G, p.Ser2240= (NM_001008844.3); c.7188C>G, p.Ser2396= (NM_001319034.2).
Identifiers: ClinVar variation 2656216 (VCV002656216.26), dbSNP rs1377457121, ClinGen allele CA448531267.
Genomic context (GRCh38, chr6:7,585,779, plus strand): 5'-GTCTTCGGCTCCGGGGTCCCGCTCCGGCTCCCGCTCGGGATCTCGCTCCGGATCTCGCTC[C>G]GGGTCCCGCAGTGGGTCCCGGAGAGGAAGCTTTGACGCCACAGGGAATTCTTCCTACTCT-3'
Protein context (NP_004406.2, residues 2829-2849): SRSGSRSGSR[Ser2839=]GSRSGSRRGS